The following is an entry in ClinVar:

NM_000548.5(TSC2):c.3131+9G>A

Gene: TSC2 (TSC complex subunit 2; plus strand). Cytogenetic location: 16p13.3.
Variant type: single nucleotide variant.
Coding change: c.3131+9G>A on transcript NM_000548.5 (MANE Select); 9 bases into the intron after coding-DNA position 3131, G replaced by A.
Molecular consequence: intron variant.
Genome position (GRCh38, 1-based): chr16:2,079,205, G>A. VCF-style: chr16-2079205-G-A. GRCh37 (hg19) VCF-style: chr16-2129206-G-A.
Other names: c.3131+9G>A (NM_001114382.3); c.3002+9G>A (NM_021055.3, NM_001370405.1, NM_001363528.2); c.2999+9G>A (NM_001370404.1, NM_001077183.3); c.2891+9G>A (NM_001318827.2); c.2399+9G>A (NM_001318831.2); c.2855+9G>A (NM_001318829.2); c.3032+9G>A (NM_001318832.2).
Identifiers: ClinVar variation 467991 (VCV000467991.15), dbSNP rs1352481690, ClinGen allele CA620704909.

ClinVar aggregate classification (germline): Likely benign. Review status: criteria provided, multiple submitters, no conflicts (2 of 4 stars). 4 submissions from 4 submitters: Likely benign (4). Last evaluated 2026-01-16.

Conditions:
Tuberous sclerosis 2 (TSC2). Identifiers: Orphanet 805, MedGen C1860707, MONDO:0013199, OMIM 613254.

Allele frequency attached by ClinVar (database versions not stated): gnomAD exomes 0.00001; TOPMed 0.00001; gnomAD 0.00002.
gnomAD v4.1: 14 of 1,612,752 alleles (0.00087%); highest among the groups gnomAD compares: South Asian, 0.0044%; no homozygotes.

Submissions (4):

Labcorp Genetics (formerly Invitae), Labcorp
Classification: Likely benign for Tuberous sclerosis 2. Last evaluated: 2026-01-16. Review status: criteria provided, single submitter. Criteria: Invitae Variant Classification Sherloc (09022015). Collection method: clinical testing. Allele origin: germline.

Myriad Genetics, Inc.
Classification: Likely benign for Tuberous sclerosis 2. Last evaluated: 2025-05-28. Review status: criteria provided, single submitter. Criteria: Myriad Autosomal Dominant, Autosomal Recessive and X-Linked Classification Criteria (2023). Collection method: clinical testing. Allele origin: unknown.
Comment: This variant is considered likely benign. This variant is intronic and is not expected to impact mRNA splicing.

Quest Diagnostics Nichols Institute San Juan Capistrano
Classification: Likely benign. Last evaluated: 2025-04-30. Review status: criteria provided, single submitter. Criteria: Quest Diagnostics criteria. Collection method: clinical testing. Allele origin: unknown.

Blueprint Genetics
Classification: Likely benign. Last evaluated: 2023-02-21. Review status: criteria provided, single submitter. Criteria: ACMG Guidelines, 2015. Collection method: clinical testing. Allele origin: germline.